The following is an entry in ClinVar:

ClinVar aggregate classification (germline): Benign/Likely benign. Review status: criteria provided, multiple submitters, no conflicts (2 of 4 stars). 3 submissions from 3 submitters: Benign (2); Likely benign (1). Last evaluated 2025-03-05.

Allele frequency attached by ClinVar (database versions not stated): 1000 Genomes Project 30x 0.00297; 1000 Genomes Project 0.00319; TOPMed 0.00484; ESP Exome Variant Server 0.00477; gnomAD 0.00482 and 0.00451.
gnomAD v4.1: 1,482 of 1,612,294 alleles (0.092%); highest among the groups gnomAD compares: African/African-American, 1.4%; 5 homozygotes.

Submissions (3):

Mayo Clinic Laboratories, Mayo Clinic
Classification: Likely benign. Last evaluated: 2025-03-05. Review status: criteria provided, single submitter. Criteria: ACMG Guidelines, 2015. Collection method: clinical testing. Allele origin: germline. Observed: 2 variant alleles.
Comment: BS1, BP4, BP7

Athena Diagnostics
Classification: Benign. Last evaluated: 2016-11-25. Review status: criteria provided, single submitter. Criteria: Athena Diagnostics Criteria. Collection method: clinical testing. Allele origin: germline.

Breakthrough Genomics
Classification: Benign. Review status: criteria provided, single submitter. Criteria: ACMG Guidelines, 2015. Collection method: not provided. Allele origin: germline. Inheritance: Autosomal recessive inheritance. Affected: yes.

NM_004070.4(CLCNKA):c.1086C>T (p.Phe362=)

Genes: CLCNKA (chloride voltage-gated channel Ka; plus strand), LOC106501712 (CLCNKA recombination region; plus strand). Cytogenetic location: 1p36.13.
Variant type: single nucleotide variant.
Coding change: c.1086C>T on transcript NM_004070.4 (MANE Select); coding-DNA position 1086, C replaced by T.
Protein change: p.Phe362=; no amino-acid change (phenylalanine 362 retained).
Molecular consequence: synonymous variant.
Genome position (GRCh38, 1-based): chr1:16,029,158, C>T. VCF-style: chr1-16029158-C-T. GRCh37 (hg19) VCF-style: chr1-16355653-C-T.
Other names: p.Phe362=; c.1086C>T, p.Phe362= (NM_001042704.2); c.957C>T, p.Phe319= (NM_001257139.2).
Identifiers: ClinVar variation 447080 (VCV000447080.3), dbSNP rs146831535, ClinGen allele CA622608.
Genomic context (GRCh38, chr1:16,029,158, plus strand): 5'-TGTCCAGTTCCCACCTGCCCCGCCACAGCTGTCCATGAAGCAGCATCTGGACTCGCTGTT[C>T]GACAACCACTCCTGGGCGCTGATGACCCAGAACTCCAGCCCACCCTGGCCCGAGGAGCTC-3'
Protein context (NP_004061.3, residues 352-372): LSMKQHLDSL[Phe362=]DNHSWALMTQ